The following is an entry in ClinVar:

ClinVar aggregate classification (germline): Uncertain significance (0 of 4 stars; one submission).

Conditions:
PLXNA1-related disorder. Also called: PLXNA1-related condition.

Submission:

PreventionGenetics, part of Exact Sciences
Classification: Uncertain significance for PLXNA1-related condition. Last evaluated: 2024-07-10. Review status: no assertion criteria provided. Collection method: clinical testing. Allele origin: germline.
Comment: The PLXNA1 c.569C>G variant is predicted to result in the amino acid substitution p.Pro190Arg. To our knowledge, this variant has not been reported in the literature or in a large population database, indicating this variant is rare. At this time, the clinical significance of this variant is uncertain due to the absence of conclusive functional and genetic evidence.

NM_032242.4(PLXNA1):c.569C>G (p.Pro190Arg)

Gene: PLXNA1 (plexin A1; plus strand). Cytogenetic location: 3q21.3.
Variant type: single nucleotide variant.
Coding change: c.569C>G on transcript NM_032242.4 (MANE Select); coding-DNA position 569, C replaced by G.
Protein change: p.Pro190Arg; replaces proline 190 with arginine.
Molecular consequence: missense variant.
Genome position (GRCh38, 1-based): chr3:126,989,162, C>G. VCF-style: chr3-126989162-C-G. GRCh37 (hg19) VCF-style: chr3-126708005-C-G.
Other names: short protein forms P190R.
Identifiers: ClinVar variation 3346471 (VCV003346471.1).